The following is an entry in ClinVar:

NM_022829.6(SLC13A3):c.118C>G (p.Arg40Gly)

Gene: SLC13A3 (solute carrier family 13 member 3; minus strand). Cytogenetic location: 20q13.12.
Variant type: single nucleotide variant.
Coding change: c.118C>G on transcript NM_022829.6 (MANE Select); coding-DNA position 118, C replaced by G.
Protein change: p.Arg40Gly; replaces arginine 40 with glycine.
Molecular consequence: missense variant. On other transcripts: 5 prime UTR variant (2), intron variant (1).
Genome position (GRCh38, 1-based): chr20:46,613,719, G>C on the plus strand (C>G on the coding strand, the complement: SLC13A3 is on the minus strand). VCF-style: chr20-46613719-G-C. GRCh37 (hg19) VCF-style: chr20-45242358-G-C.
Other names: c.-24C>G (NM_001011554.3, NM_001193340.2); c.118C>G, p.Arg40Gly (NM_001193339.2); c.-10-167C>G (NM_001193342.2); short protein forms R40G.
Identifiers: ClinVar variation 1419605 (VCV001419605.6), dbSNP rs77731467, ClinGen allele CA9891714.
Genomic context (GRCh38, chr20:46,613,719, plus strand): 5'-AGAGCGGCAGGGCCTCCGTGCACCAGTACACCGCCATGAGCAGGATGACAAACAAGCAGC[G>C]GCCTTCCTGCAGGAGGAGATGCATGCTCAGAGGGTCAGCGGGGCTCGGGGCAGAAGGGGA-3'
Protein context (NP_073740.2, residues 30-50): VVFALPPKEG[Arg40Gly]CLFVILLMAV

ClinVar aggregate classification (germline): Uncertain significance (1 of 4 stars; one submission).

Allele frequency attached by ClinVar (database versions not stated): 1000 Genomes Project 0.00100; 1000 Genomes Project 30x 0.00109.
gnomAD v4.1: 63 of 1,598,056 alleles (0.0039%); highest among the groups gnomAD compares: South Asian, 0.069%; no homozygotes.

Submission:

Labcorp Genetics (formerly Invitae), Labcorp
Classification: Uncertain significance. Last evaluated: 2023-03-22. Review status: criteria provided, single submitter. Criteria: Invitae Variant Classification Sherloc (09022015). Collection method: clinical testing. Allele origin: germline.
Comment: In summary, the available evidence is currently insufficient to determine the role of this variant in disease. Therefore, it has been classified as a Variant of Uncertain Significance. Advanced modeling of protein sequence and biophysical properties (such as structural, functional, and spatial information, amino acid conservation, physicochemical variation, residue mobility, and thermodynamic stability) performed at Invitae indicates that this missense variant is not expected to disrupt SLC13A3 protein function. ClinVar contains an entry for this variant (Variation ID: 1419605). This variant has not been reported in the literature in individuals affected with SLC13A3-related conditions. This variant is present in population databases (rs77731467, gnomAD 0.09%), and has an allele count higher than expected for a pathogenic variant. This sequence change replaces arginine, which is basic and polar, with glycine, which is neutral and non-polar, at codon 40 of the SLC13A3 protein (p.Arg40Gly).